The following is an entry in ClinVar:

ClinVar aggregate classification (germline): Benign/Likely benign. Review status: criteria provided, multiple submitters, no conflicts (2 of 4 stars). 7 submissions from 7 submitters: Benign (4); Likely benign (3). Last evaluated 2025-12-16.

Conditions:
Developmental and epileptic encephalopathy, 42 (DEE42A). Also called: DEVELOPMENTAL AND EPILEPTIC ENCEPHALOPATHY 42A; EPILEPTIC ENCEPHALOPATHY, EARLY INFANTILE, 42A; Epileptic encephalopathy, early infantile, 42. Identifiers: MedGen C4310716, MONDO:0014917, OMIM 617106.
Episodic ataxia type 2 (EA2). Also called: ATAXIA, EPISODIC, WITH NYSTAGMUS; ATAXIA, FAMILIAL PAROXYSMAL; CEREBELLAR ATAXIA, PAROXYSMAL, ACETAZOLAMIDE-RESPONSIVE; CEREBELLOPATHY, HEREDITARY PAROXYSMAL; EPISODIC ATAXIA, NYSTAGMUS-ASSOCIATED; ACETAZOLAMIDE-RESPONSIVE HEREDITARY PAROXYSMAL CEREBELLAR ATAXIA. Identifiers: Orphanet 97, MedGen C1720416, MONDO:0007163, OMIM 108500.
Inborn genetic diseases. Identifiers: MedGen C0950123, MeSH D030342.

Allele frequency attached by ClinVar (database versions not stated): 1000 Genomes Project 30x 0.00016; 1000 Genomes Project 0.00020; gnomAD exomes 0.00079 and 0.00161; ESP Exome Variant Server 0.00099; gnomAD 0.00107 and 0.00108; TOPMed 0.00110; ExAC 0.00121.
gnomAD v4.1: 1,419 of 1,613,304 alleles (0.088%); highest among the groups gnomAD compares: Middle Eastern, 0.049%; 17 homozygotes.

Submissions (7):

Labcorp Genetics (formerly Invitae), Labcorp
Classification: Benign for Developmental and epileptic encephalopathy, 42; Episodic ataxia type 2. Last evaluated: 2025-12-16. Review status: criteria provided, single submitter. Criteria: Invitae Variant Classification Sherloc (09022015). Collection method: clinical testing. Allele origin: germline.

Athena Diagnostics
Classification: Benign. Last evaluated: 2024-12-03. Review status: criteria provided, single submitter. Criteria: Athena Diagnostics Criteria. Collection method: clinical testing. Allele origin: unknown.
Comment: The frequency of this variant in the general population is higher than would generally be expected for pathogenic variants in this gene.

CeGaT Center for Human Genetics Tuebingen
Classification: Likely benign. Last evaluated: 2024-07-01. Review status: criteria provided, single submitter. Criteria: CeGaT Center For Human Genetics Tuebingen Variant Classification Criteria Version 2. Collection method: clinical testing. Allele origin: germline. Affected: yes. Observed: 10 variant alleles.
Comment: CACNA1A: BP4, BS1

Ambry Genetics
Classification: Benign for Inborn genetic diseases. Last evaluated: 2019-03-02. Review status: criteria provided, single submitter. Criteria: Ambry Variant Classification Scheme 2023. Collection method: clinical testing. Allele origin: germline.

GeneDx
Classification: Benign. Last evaluated: 2018-06-12. Review status: criteria provided, single submitter. Criteria: GeneDx Variant Classification Process June 2021. Collection method: clinical testing. Allele origin: germline. Affected: yes.

Breakthrough Genomics
Classification: Likely benign. Review status: criteria provided, single submitter. Criteria: ACMG Guidelines, 2015. Collection method: not provided. Allele origin: germline. Inheritance: Autosomal dominant inheritance. Affected: yes.

PreventionGenetics, part of Exact Sciences
Classification: Likely benign. Review status: criteria provided, single submitter. Criteria: ACMG Guidelines, 2015. Collection method: clinical testing. Allele origin: germline.

NM_001127222.2(CACNA1A):c.1914-4G>A

Gene: CACNA1A (calcium voltage-gated channel subunit alpha1 A; minus strand). Cytogenetic location: 19p13.13.
Variant type: single nucleotide variant.
Coding change: c.1914-4G>A on transcript NM_001127222.2 (MANE Select); 4 bases into the intron before coding-DNA position 1914, G replaced by A.
Molecular consequence: intron variant.
Genome position (GRCh38, 1-based): chr19:13,307,858, C>T on the plus strand (G>A on the coding strand, the complement: CACNA1A is on the minus strand). VCF-style: chr19-13307858-C-T. GRCh37 (hg19) VCF-style: chr19-13418672-C-T.
Other names: c.1917-4G>A (NM_001127221.2, NM_001174080.2, NM_000068.4 and 1 more transcripts).
Identifiers: ClinVar variation 257509 (VCV000257509.51), dbSNP rs191026552, ClinGen allele CA9240683.